The following is an entry in ClinVar:

NM_001399.5(EDA):c.794A>C (p.Asp265Ala)

Gene: EDA (ectodysplasin A; plus strand). Cytogenetic location: Xq13.1.
Variant type: single nucleotide variant.
Coding change: c.794A>C on transcript NM_001399.5 (MANE Select); coding-DNA position 794, A replaced by C.
Protein change: p.Asp265Ala; replaces aspartic acid 265 with alanine.
Molecular consequence: missense variant. On other transcripts: intron variant (1).
Genome position (GRCh38, 1-based): chrX:70,033,398, A>C. VCF-style: chrX-70033398-A-C. GRCh37 (hg19) VCF-style: chrX-69253248-A-C.
Other names: c.794-9A>C (NM_001005612.3); c.794A>C, p.Asp265Ala (NM_001005609.2); c.794A>C (NM_001399.4); short protein forms D265A.
Identifiers: ClinVar variation 2696823 (VCV002696823.4), dbSNP rs727504750, ClinGen allele CA413448756.
Genomic context (GRCh38, chrX:70,033,398, plus strand): 5'-TTTTCTGTTGCCTCGATTATTCTGACATGTACTGAGTGACTGCCCTTCTCTCATACTGAG[A>C]TCTTTCAGGTGGAGTGCTCAATGACTGGTCTCGCATCACTATGAACCCCAAGGTGTTTAA-3'
Protein context (NP_001390.1, residues 255-275): GQGSAIQVKN[Asp265Ala]LSGGVLNDWS

ClinVar aggregate classification (germline): Uncertain significance. Review status: criteria provided, multiple submitters, no conflicts (2 of 4 stars). 2 submissions from 2 submitters: Uncertain significance (2). Last evaluated 2023-11-17.

Conditions:
Hypohidrotic X-linked ectodermal dysplasia (XHED). Also called: ECTODERMAL DYSPLASIA, HYPOHIDROTIC, 1; CST SYNDROME; Ectodermal Dysplasia 1, Anhidrotic; ECTODERMAL DYSPLASIA 1, HYPOHIDROTIC, X-LINKED; Christ-Siemans-Touraine syndrome; ECTODERMAL DYSPLASIA 1, HYPOHIDROTIC/HAIR/TOOTH TYPE, X-LINKED. Identifiers: Orphanet 181, Orphanet 238468, MedGen C0162359, MONDO:0010585, OMIM 305100.

Submissions (2):

Labcorp Genetics (formerly Invitae), Labcorp
Classification: Uncertain significance for Hypohidrotic X-linked ectodermal dysplasia. Last evaluated: 2023-11-17. Review status: criteria provided, single submitter. Criteria: Invitae Variant Classification Sherloc (09022015). Collection method: clinical testing. Allele origin: germline.
Comment: This sequence change replaces aspartic acid, which is acidic and polar, with alanine, which is neutral and non-polar, at codon 265 of the EDA protein (p.Asp265Ala). This variant is not present in population databases (gnomAD no frequency). This missense change has been observed in individual(s) with clinical features of ectodermal dysplasia (Invitae). An algorithm developed to predict the effect of missense changes on protein structure and function (PolyPhen-2) suggests that this variant is likely to be disruptive. Algorithms developed to predict the effect of sequence changes on RNA splicing suggest that this variant may disrupt the consensus splice site. This variant disrupts the p.Asp265 amino acid residue in EDA. Other variant(s) that disrupt this residue have been determined to be pathogenic (PMID: 25333067; Invitae). This suggests that this residue is clinically significant, and that variants that disrupt this residue are likely to be disease-causing. In summary, the available evidence is currently insufficient to determine the role of this variant in disease. Therefore, it has been classified as a Variant of Uncertain Significance.

GeneDx
Classification: Uncertain significance. Last evaluated: 2023-07-25. Review status: criteria provided, single submitter. Criteria: GeneDx Variant Classification Process June 2021. Collection method: clinical testing. Allele origin: germline. Affected: yes.
Comment: Not observed at significant frequency in large population cohorts (gnomAD); Missense variants in this gene are often considered pathogenic (HGMD); In silico analysis supports that this missense variant does not alter protein structure/function; Has not been previously published as pathogenic or benign to our knowledge; In silico analysis is inconclusive as to whether the variant alters gene splicing. In the absence of RNA/functional studies, the actual effect of this sequence change is unknown.

Literature cited by the submitters: PubMed 25333067 (cited by Labcorp Genetics (formerly Invitae), Labcorp).